The following is an entry in ClinVar:

ClinVar aggregate classification (germline): Uncertain significance (1 of 4 stars; one submission).

Conditions:
Neuronal ceroid lipofuscinosis. Also called: Neuronal Ceroid Lipofuscinoses. Identifiers: Orphanet 216, Orphanet 79263, MedGen C0027877, MONDO:0016295. Disease mechanism: loss of function.

Submission:

Labcorp Genetics (formerly Invitae), Labcorp
Classification: Uncertain significance for Neuronal ceroid lipofuscinosis. Last evaluated: 2016-11-08. Review status: criteria provided, single submitter. Criteria: Invitae Variant Classification Sherloc (09022015). Collection method: clinical testing. Allele origin: germline.
Comment: A gross duplication of the genomic region encompassing the full coding sequence of the DNAJC5 gene has been identified. The boundaries of this event are unknown as the duplication extends beyond the assayed region for this gene and therefore may encompass additional genes. As the precise location of this duplication is unknown, it may be in tandem or it may be located elsewhere in the genome. This particular duplication has not been reported in the literature. In summary, the exact genomic location of this variant is unknown and the impact of this duplication on DNAJC5 protein function has not been established. Therefore, it has been classified as a Variant of Uncertain Significance.

NC_000020.10:g.(?_62559688)_(62567384_?)dup

Gene: DNAJC5 (DnaJ heat shock protein family (Hsp40) member C5; plus strand). Cytogenetic location: 20q13.33.
Variant type: Duplication.
Identifiers: ClinVar variation 417347 (VCV000417347.1).